The following is an entry in ClinVar:

NM_012210.4(TRIM32):c.493C>T (p.Arg165Trp)

Genes: ASTN2 (astrotactin 2; minus strand), TRIM32 (tripartite motif containing 32; plus strand). Cytogenetic location: 9q33.1.
Variant type: single nucleotide variant.
Coding change: c.493C>T on transcript NM_012210.4 (MANE Select); coding-DNA position 493, C replaced by T.
Protein change: p.Arg165Trp; replaces arginine 165 with tryptophan.
Molecular consequence: missense variant. On other transcripts: intron variant (3).
Genome position (GRCh38, 1-based): chr9:116,698,235, C>T. VCF-style: chr9-116698235-C-T. GRCh37 (hg19) VCF-style: chr9-119460514-C-T.
Other names: c.493C>T, p.Arg165Trp (NM_001099679.2, NM_001379048.1, NM_001379049.1 and 1 more transcripts); c.2653+27536G>A (NM_014010.5); c.2794+27536G>A (NM_001365069.1); c.2806+27536G>A (NM_001365068.1); short protein forms R165W.
Identifiers: ClinVar variation 1047335 (VCV001047335.9), dbSNP rs1378775801, ClinGen allele CA374648712.

ClinVar aggregate classification (germline): Uncertain significance. Review status: criteria provided, multiple submitters, no conflicts (2 of 4 stars). 3 submissions from 3 submitters: Uncertain significance (3). Last evaluated 2026-03-26.

Conditions:
Bardet-Biedl syndrome (BBS). Identifiers: Orphanet 110, MedGen C0752166, MONDO:0015229.
Bardet-Biedl syndrome 11 (BBS11). Identifiers: Orphanet 110, MedGen C1859569, MONDO:0014439, OMIM 615988.
Sarcotubular myopathy (LGMDR8). Also called: Hutterite type of muscular dystrophy; Autosomal recessive limb-girdle muscular dystrophy type 2H; MUSCULAR DYSTROPHY, LIMB-GIRDLE, AUTOSOMAL RECESSIVE 8; Limb-girdle muscular dystrophy, type 2H. Identifiers: Orphanet 1878, MedGen C0270968, MONDO:0009683, OMIM 254110.

Allele frequency attached by ClinVar (database versions not stated): gnomAD exomes 0.00001; TOPMed 0.00002; gnomAD 0.00001.
gnomAD v4.1: 12 of 1,613,978 alleles (0.00074%); highest among the groups gnomAD compares: Middle Eastern, 0.016%; no homozygotes.

Submissions (3):

GeneDx
Classification: Uncertain significance. Last evaluated: 2026-03-26. Review status: criteria provided, single submitter. Criteria: GeneDx Variant Classification Process June 2021. Collection method: clinical testing. Allele origin: germline.
Comment: Not observed at significant frequency in large population cohorts (gnomAD); In silico analysis suggests that this missense variant does not alter protein structure/function; Has not been previously published as pathogenic or benign to our knowledge

Fulgent Genetics
Classification: Uncertain significance for Sarcotubular myopathy; Bardet-Biedl syndrome 11. Last evaluated: 2024-06-10. Review status: criteria provided, single submitter. Criteria: ACMG Guidelines, 2015. Collection method: clinical testing. Allele origin: germline.

Labcorp Genetics (formerly Invitae), Labcorp
Classification: Uncertain significance for Bardet-Biedl syndrome. Last evaluated: 2021-08-13. Review status: criteria provided, single submitter. Criteria: Invitae Variant Classification Sherloc (09022015). Collection method: clinical testing. Allele origin: germline.
Comment: This sequence change replaces arginine with tryptophan at codon 165 of the TRIM32 protein (p.Arg165Trp). The arginine residue is moderately conserved and there is a moderate physicochemical difference between arginine and tryptophan. This variant is not present in population databases (ExAC no frequency). This variant has not been reported in the literature in individuals affected with TRIM32-related conditions. Algorithms developed to predict the effect of missense changes on protein structure and function are either unavailable or do not agree on the potential impact of this missense change (SIFT: "Deleterious"; PolyPhen-2: "Benign"; Align-GVGD: "Class C25"). In summary, the available evidence is currently insufficient to determine the role of this variant in disease. Therefore, it has been classified as a Variant of Uncertain Significance.